The following is an entry in ClinVar:

NM_001853.4(COL9A3):c.240_248dup (p.Gly83_Val84insLeuProGly)

Gene: COL9A3 (collagen type IX alpha 3 chain; plus strand). Cytogenetic location: 20q13.33.
Variant type: Duplication.
Coding change: c.240_248dup on transcript NM_001853.4 (MANE Select); coding-DNA positions 240 to 248, 9 bases duplicated (ACTGCCGGG; older notation c.240_248dupACTGCCGGG).
Protein change: p.Gly83_Val84insLeuProGly.
Molecular consequence: inframe insertion.
Genome position (GRCh38, 1-based): chr20:62,819,278-62,819,286, ACTGCCGGG duplicated; duplicating any 9 consecutive bases within chr20:62,819,270-62,819,286 gives the same sequence; the c. name uses the placement nearest the transcript's 3' end. VCF-style (leftmost placement, unchanged base first): chr20-62819269-G-GCTGCCGGGA. GRCh37 (hg19) VCF-style: chr20-61450621-G-GCTGCCGGGA.
Identifiers: ClinVar variation 2768520 (VCV002768520.3), dbSNP rs758517077, ClinGen allele CA2697547439.

ClinVar aggregate classification (germline): Uncertain significance (1 of 4 stars; one submission).

Submission:

Labcorp Genetics (formerly Invitae), Labcorp
Classification: Uncertain significance. Last evaluated: 2024-01-11. Review status: criteria provided, single submitter. Criteria: Invitae Variant Classification Sherloc (09022015). Collection method: clinical testing. Allele origin: germline.
Comment: This variant, c.240_248dup, results in the insertion of 3 amino acid(s) of the COL9A3 protein (p.Leu81_Gly83dup), but otherwise preserves the integrity of the reading frame. This variant is not present in population databases (gnomAD no frequency). This variant has not been reported in the literature in individuals affected with COL9A3-related conditions. In summary, the available evidence is currently insufficient to determine the role of this variant in disease. Therefore, it has been classified as a Variant of Uncertain Significance.